The following is an entry in ClinVar:

NM_000297.4(PKD2):c.1010T>A (p.Leu337Ter)

Gene: PKD2 (polycystin 2, transient receptor potential cation channel; plus strand). Cytogenetic location: 4q22.1.
Variant type: single nucleotide variant.
Coding change: c.1010T>A on transcript NM_000297.4 (MANE Select); coding-DNA position 1010, T replaced by A.
Protein change: p.Leu337Ter; replaces leucine 337 with a stop codon.
Molecular consequence: nonsense. On other transcripts: non-coding transcript variant (1).
Genome position (GRCh38, 1-based): chr4:88,038,417, T>A. VCF-style: chr4-88038417-T-A. GRCh37 (hg19) VCF-style: chr4-88959569-T-A.
Other names: short protein forms L337*.
Identifiers: ClinVar variation 3236060 (VCV003236060.1), dbSNP rs1332881642, ClinGen allele CA357632982.

ClinVar aggregate classification (germline): Pathogenic (1 of 4 stars; one submission).

Conditions:
Polycystic kidney disease 2 (PKD2). Also called: Polycystic Kidney Disease 2, Autosomal Dominant; POLYCYSTIC KIDNEY DISEASE 2 WITH OR WITHOUT POLYCYSTIC LIVER DISEASE; POLYCYSTIC KIDNEY DISEASE, ADULT, TYPE II. Identifiers: MedGen C2751306, MONDO:0013131, OMIM 613095.

Allele frequency attached by ClinVar (database versions not stated): gnomAD exomes below 0.00001.

Submission:

MVZ Medizinische Genetik Mainz
Classification: Pathogenic for Polycystic kidney disease 2. Last evaluated: 2024-02-05. Review status: criteria provided, single submitter. Criteria: UK Practice Guidelines For Variant Classification V4 01 2020. Collection method: clinical testing. Allele origin: germline. Inheritance: Autosomal dominant inheritance. Affected: yes. Observed: 1 variant allele.
Comment: ACMG Criteria: PVS1,PM2_SUP,PP4